The following is an entry in ClinVar:

ClinVar aggregate classification (germline): Likely benign (1 of 4 stars; one submission).

Submission:

GeneDx
Classification: Likely benign. Last evaluated: 2016-03-23. Review status: criteria provided, single submitter. Criteria: GeneDx Variant Classification (06012015). Collection method: clinical testing. Allele origin: germline. Affected: yes.
Comment: This variant is considered likely benign or benign based on one or more of the following criteria: it is a conservative change, it occurs at a poorly conserved position in the protein, it is predicted to be benign by multiple in silico algorithms, and/or has population frequency not consistent with disease.

NM_000051.4(ATM):c.3746+17C>G

Gene: ATM (ATM serine/threonine kinase; plus strand). Cytogenetic location: 11q22.3.
Variant type: single nucleotide variant.
Coding change: c.3746+17C>G on transcript NM_000051.4 (MANE Select); 17 bases into the intron after coding-DNA position 3746, C replaced by G.
Molecular consequence: intron variant.
Genome position (GRCh38, 1-based): chr11:108,282,896, C>G. VCF-style: chr11-108282896-C-G. GRCh37 (hg19) VCF-style: chr11-108153623-C-G.
Other names: c.3746+17C>G (NM_001351834.2).
Identifiers: ClinVar variation 385112 (VCV000385112.1), dbSNP rs1057520850, ClinGen allele CA16606174.
Genomic context (GRCh38, chr11:108,282,896, plus strand): 5'-CCTTTTATTTTATTAAACTACACAAATATTGAGGATTTCTATAGGTAAGTTTATACATGA[C>G]ATATGTGAAATTTGTTTAATTTAAAATTAGTTAACAATACTTAGCAAGTCCCCTCACCAG-3'